The following is an entry in ClinVar:

NM_001042472.3(ABHD12):c.559G>A (p.Val187Met)

Gene: ABHD12 (abhydrolase domain containing 12, lysophospholipase; minus strand). Cytogenetic location: 20p11.21.
Variant type: single nucleotide variant.
Coding change: c.559G>A on transcript NM_001042472.3 (MANE Select); coding-DNA position 559, G replaced by A.
Protein change: p.Val187Met; replaces valine 187 with methionine.
Molecular consequence: missense variant.
Genome position (GRCh38, 1-based): chr20:25,317,062, C>T on the plus strand (G>A on the coding strand, the complement: ABHD12 is on the minus strand). VCF-style: chr20-25317062-C-T. GRCh37 (hg19) VCF-style: chr20-25297698-C-T.
Other names: c.559G>A, p.Val187Met (NM_015600.5); short protein forms V187M.
Identifiers: ClinVar variation 934128 (VCV000934128.10), dbSNP rs144916441, ClinGen allele CA9796095.
Genomic context (GRCh38, chr20:25,317,062, plus strand): 5'-GGAAAGAACAGCCCAGGGAACAGGTGTGGGTGCTGCCTGCACTCACCTTGTAAAGCTCCA[C>T]GCGGTGGTCGCCTCCTCTGGAGAAGAAAACAGGACATGGTGTGAGCACATCTTCTCAGAG-3'
Protein context (NP_001035937.1, residues 177-197): NAGTRGGDHR[Val187Met]ELYKVLSSLG

ClinVar aggregate classification (germline): Uncertain significance. Review status: criteria provided, multiple submitters, no conflicts (2 of 4 stars). 4 submissions from 4 submitters: Uncertain significance (4). Last evaluated 2026-10-13.

Conditions:
ABHD12-related disorder. Also called: ABHD12-related condition.

Allele frequency attached by ClinVar (database versions not stated): TOPMed 0.00003; ESP Exome Variant Server 0.00008; gnomAD 0.00002 and 0.00005; gnomAD exomes 0.00018; ExAC 0.00025.
gnomAD v4.1: 160 of 1,612,670 alleles (0.0099%); highest among the groups gnomAD compares: South Asian, 0.11%; 1 homozygote.

Submissions (4):

GeneDx
Classification: Uncertain significance. Last evaluated: 2026-10-13. Review status: criteria provided, single submitter. Criteria: GeneDx Variant Classification Process June 2021. Collection method: clinical testing. Allele origin: germline.
Comment: In silico analysis suggests that this missense variant does not alter protein structure/function; Has not been previously published as pathogenic or benign to our knowledge

PreventionGenetics, part of Exact Sciences
Classification: Uncertain significance for ABHD12-related condition. Last evaluated: 2026-03-11. Review status: criteria provided, single submitter. Criteria: ACMG Guidelines, 2015. Collection method: clinical testing. Allele origin: germline.
Comment: The ABHD12 c.559G>A variant is predicted to result in the amino acid substitution p.Val187Met. To our knowledge, this variant has not been reported in the literature. This variant is reported in 0.095% of alleles in individuals of South Asian descent in gnomAD, which may be too frequent to be a primary cause of disease. Although we suspect that this variant may be benign, at this time, the clinical significance of this variant is uncertain due to the absence of conclusive functional and genetic evidence.

Blueprint Genetics
Classification: Uncertain significance. Last evaluated: 2024-04-10. Review status: criteria provided, single submitter. Criteria: ACMG Guidelines, 2015. Collection method: clinical testing. Allele origin: germline.

Labcorp Genetics (formerly Invitae), Labcorp
Classification: Uncertain significance. Last evaluated: 2022-08-16. Review status: criteria provided, single submitter. Criteria: Invitae Variant Classification Sherloc (09022015). Collection method: clinical testing. Allele origin: germline.
Comment: This sequence change replaces valine, which is neutral and non-polar, with methionine, which is neutral and non-polar, at codon 187 of the ABHD12 protein (p.Val187Met). This variant is present in population databases (rs144916441, gnomAD 0.09%). This variant has not been reported in the literature in individuals affected with ABHD12-related conditions. ClinVar contains an entry for this variant (Variation ID: 934128). Algorithms developed to predict the effect of missense changes on protein structure and function are either unavailable or do not agree on the potential impact of this missense change (SIFT: "Deleterious"; PolyPhen-2: "Probably Damaging"; Align-GVGD: "Class C0"). In summary, the available evidence is currently insufficient to determine the role of this variant in disease. Therefore, it has been classified as a Variant of Uncertain Significance.